The following is an entry in ClinVar:

NM_006019.4(TCIRG1):c.850del (p.Arg284fs)

Gene: TCIRG1 (T cell immune regulator 1, ATPase H+ transporting V0 subunit a3; plus strand). Cytogenetic location: 11q13.2.
Variant type: Deletion.
Coding change: c.850del on transcript NM_006019.4 (MANE Select); coding-DNA position 850, one base deleted (C; older notation c.850delC).
Protein change: p.Arg284fs; shifts the reading frame from arginine 284.
Molecular consequence: frameshift variant. On other transcripts: 5 prime UTR variant (1), intron variant (4).
Genome position (GRCh38, 1-based): chr11:68,044,174, C deleted; the last of 2 consecutive C bases (chr11:68,044,173-68,044,174); deleting either gives the same sequence. VCF-style (leftmost placement, unchanged base first): chr11-68044172-GC-G. GRCh37 (hg19) VCF-style: chr11-67811639-GC-G.
Other names: c.-45del (NM_001351059.2); c.850del, p.Arg284fs (NM_001440552.1, NM_001440553.1, NM_001440554.1 and 2 more transcripts); c.808del, p.Arg270fs (NM_001440555.1, NM_001440556.1, NM_001440563.1); c.637del, p.Arg213fs (NM_001440561.1, NM_001440562.1, NM_001440566.1 and 1 more transcripts); c.595del, p.Arg199fs (NM_001440564.1); c.550del, p.Arg184fs (NM_001440565.1); c.202del, p.Arg68fs (NM_006053.4); c.807+267del (NM_001440559.1, NM_001440560.1); and 2 more; short protein forms R184fs, R199fs, R213fs, R270fs, R284fs, R68fs.
Identifiers: ClinVar variation 5015401 (VCV005015401.1).

ClinVar aggregate classification (germline): Pathogenic (1 of 4 stars; one submission).

Conditions:
Autosomal recessive osteopetrosis 1. Also called: ALBERS-SCHONBERG DISEASE, AUTOSOMAL RECESSIVE; TCIRG1-Related Autosomal Recessive Osteopetrosis; TCIRG1-Related Osteopetrosis. Identifiers: Orphanet 667, MedGen C1850127, MONDO:0009815, OMIM 259700.

Submission:

Myriad Genetics, Inc.
Classification: Pathogenic for Autosomal recessive osteopetrosis 1. Last evaluated: 2026-01-07. Review status: criteria provided, single submitter. Criteria: Myriad Autosomal Dominant, Autosomal Recessive and X-Linked Classification Criteria (2023). Collection method: clinical testing. Allele origin: unknown.
Comment: NM_006019.3(TCIRG1):c.850delC(R284Gfs*16) is expected to be pathogenic in the context of autosomal recessive osteopetrosis type 1. This variant is predicted to lead to an abnormal or absent protein product due to the creation of a premature termination codon in TCIRG1, a gene where loss-of-function variants are known to be pathogenic. Please note: this variant was assessed in the context of healthy population screening.